The following is an entry in ClinVar:

NM_001999.4(FBN2):c.8506A>T (p.Ile2836Phe)

Gene: FBN2 (fibrillin 2; minus strand). Cytogenetic location: 5q23.3.
Variant type: single nucleotide variant.
Coding change: c.8506A>T on transcript NM_001999.4 (MANE Select); coding-DNA position 8506, A replaced by T.
Protein change: p.Ile2836Phe; replaces isoleucine 2836 with phenylalanine.
Molecular consequence: missense variant.
Genome position (GRCh38, 1-based): chr5:128,259,688, T>A on the plus strand (A>T on the coding strand, the complement: FBN2 is on the minus strand). VCF-style: chr5-128259688-T-A. GRCh37 (hg19) VCF-style: chr5-127595380-T-A.
Other names: short protein forms I2836F.
Identifiers: ClinVar variation 3061370 (VCV003061370.2), dbSNP rs1249852107, ClinGen allele CA360745682.

ClinVar aggregate classification (germline): Uncertain significance (0 of 4 stars; one submission).

Conditions:
FBN2-related disorder. Also called: FBN2-related condition.

Submission:

PreventionGenetics, part of Exact Sciences
Classification: Uncertain significance for FBN2-related condition. Last evaluated: 2024-02-19. Review status: no assertion criteria provided. Collection method: clinical testing. Allele origin: germline.
Comment: The FBN2 c.8506A>T variant is predicted to result in the amino acid substitution p.Ile2836Phe. To our knowledge, this variant has not been reported in the literature or in a large population database, indicating this variant is rare. At this time, the clinical significance of this variant is uncertain due to the absence of conclusive functional and genetic evidence.